The following is an entry in ClinVar:

NM_002439.5(MSH3):c.565C>A (p.Gln189Lys)

Gene: MSH3 (mutS homolog 3; plus strand). Cytogenetic location: 5q14.1.
Variant type: single nucleotide variant.
Coding change: c.565C>A on transcript NM_002439.5 (MANE Select); coding-DNA position 565, C replaced by A.
Protein change: p.Gln189Lys; replaces glutamine 189 with lysine.
Molecular consequence: missense variant.
Genome position (GRCh38, 1-based): chr5:80,665,349, C>A. VCF-style: chr5-80665349-C-A. GRCh37 (hg19) VCF-style: chr5-79961168-C-A.
Other names: short protein forms Q189K.
Identifiers: ClinVar variation 3913666 (VCV003913666.1).

ClinVar aggregate classification (germline): Uncertain significance (1 of 4 stars; one submission).

Conditions:
Hereditary cancer-predisposing syndrome. Also called: Hereditary Cancer Syndrome; Hereditary neoplastic syndrome; Neoplastic Syndromes, Hereditary; Tumor predisposition. Identifiers: Orphanet 140162, MedGen C0027672, MeSH D009386, MONDO:0015356.

gnomAD v4.1: 3 of 1,611,350 alleles (0.00019%); highest among the groups gnomAD compares: Non-Finnish European, 0.00025%; no homozygotes.

Submission:

Ambry Genetics
Classification: Uncertain significance for Hereditary cancer-predisposing syndrome. Last evaluated: 2025-06-12. Review status: criteria provided, single submitter. Criteria: Ambry Variant Classification Scheme 2023. Collection method: clinical testing. Allele origin: germline.
Comment: The p.Q189K variant (also known as c.565C>A), located in coding exon 3 of the MSH3 gene, results from a C to A substitution at nucleotide position 565. The glutamine at codon 189 is replaced by lysine, an amino acid with similar properties. This amino acid position is conserved. In addition, this alteration is predicted to be tolerated by in silico analysis. Based on the available evidence, the clinical significance of this variant remains unclear.